The following is an entry in ClinVar:

NM_000540.3(RYR1):c.10687-10C>T

Gene: RYR1 (ryanodine receptor 1; plus strand). Cytogenetic location: 19q13.2.
Variant type: single nucleotide variant.
Coding change: c.10687-10C>T on transcript NM_000540.3 (MANE Select); 10 bases into the intron before coding-DNA position 10687, C replaced by T.
Molecular consequence: intron variant.
Genome position (GRCh38, 1-based): chr19:38,527,637, C>T. VCF-style: chr19-38527637-C-T. GRCh37 (hg19) VCF-style: chr19-39018277-C-T.
Other names: p.?; c.10672-10C>T (NM_001042723.2).
Identifiers: ClinVar variation 93241 (VCV000093241.39), dbSNP rs77592501, ClinGen allele CA023853.

ClinVar aggregate classification (germline): Benign. Review status: criteria provided, multiple submitters, no conflicts (2 of 4 stars). 14 submissions from 13 submitters: Benign (12). 2 of the submissions do not count toward it. Last evaluated 2026-02-04.

Conditions:
RYR1-related disorder. Also called: RYR1-related condition; RYR1-related disorders. Identifiers: MedGen CN239331.
Congenital multicore myopathy with external ophthalmoplegia (CMYO1B). Also called: Congenital myopathy 1B, autosomal recessive; Minicore myopathy; Minicore myopathy with external ophthalmoplegia; MULTIMINICORE DISEASE WITH EXTERNAL OPHTHALMOPLEGIA; MULTICORE MYOPATHY. Identifiers: Orphanet 598, Orphanet 98905, MedGen C1850674, MONDO:0009712, OMIM 255320, HP:0003789.
Malignant hyperthermia, susceptibility to, 1 (MHS1). Also called: RYR1-Related Malignant Hyperthermia Susceptibility; Malignant hyperthermia suceptibility 1; Anesthesia related hyperthermia; Malignant hyperpyrexia; Fulminating hyperpyrexia; Pharmacogenic myopathy. Identifiers: Orphanet 423, MedGen C2930980, MONDO:0007783, OMIM 145600.

Allele frequency attached by ClinVar (database versions not stated): ESP Exome Variant Server 0.04090; gnomAD 0.04475 and 0.05261; TOPMed 0.04977; gnomAD exomes 0.06194 and 0.07906; ExAC 0.08166; 1000 Genomes Project 30x 0.09713; 1000 Genomes Project 0.10643.
gnomAD v4.1: 98,893 of 1,613,786 alleles (6.1%); highest among the groups gnomAD compares: South Asian, 21%; 4,813 homozygotes.

Submissions (14):

Labcorp Genetics (formerly Invitae), Labcorp
Classification: Benign for RYR1-related disorder. Last evaluated: 2026-02-04. Review status: criteria provided, single submitter. Criteria: Invitae Variant Classification Sherloc (09022015). Collection method: clinical testing. Allele origin: germline.

ARUP Laboratories, Molecular Genetics and Genomics, ARUP Laboratories
Classification: Benign. Last evaluated: 2025-03-18. Review status: criteria provided, single submitter. Criteria: ARUP Molecular Germline Variant Investigation Process 2024. Collection method: clinical testing. Allele origin: germline.

Color Diagnostics, LLC DBA Color Health
Classification: Benign for Malignant hyperthermia, susceptibility to, 1. Last evaluated: 2022-08-17. Review status: criteria provided, single submitter. Criteria: ACMG Guidelines, 2015. Collection method: clinical testing. Allele origin: germline.

PreventionGenetics, part of Exact Sciences
Classification: Benign. Last evaluated: 2018-03-20. Review status: criteria provided, single submitter. Criteria: ACMG Guidelines, 2015. Collection method: clinical testing. Allele origin: germline.

Illumina Laboratory Services, Illumina
Classification: Benign for Congenital multicore myopathy with external ophthalmoplegia. Last evaluated: 2018-01-12. Review status: criteria provided, single submitter. Criteria: ICSL Variant Classification Criteria 13 December 2019. Collection method: clinical testing. Allele origin: germline.
Comment: This variant was observed in the ICSL laboratory as part of a predisposition screen in an ostensibly healthy population. It had not been previously curated by ICSL or reported in the Human Gene Mutation Database (HGMD: prior to June 1st, 2018), and was therefore a candidate for classification through an automated scoring system. Utilizing variant allele frequency, disease prevalence and penetrance estimates, and inheritance mode, an automated score was calculated to assess if this variant is too frequent to cause the disease. Based on the score and internal cut-off values, a variant classified as benign is not then subjected to further curation. The score for this variant resulted in a classification of benign for this disease.

Illumina Laboratory Services, Illumina
Classification: Benign for Malignant hyperthermia, susceptibility to, 1. Last evaluated: 2018-01-12. Review status: criteria provided, single submitter. Criteria: ICSL Variant Classification Criteria 13 December 2019. Collection method: clinical testing. Allele origin: germline.
Comment: the same text as in the submission from Illumina Laboratory Services, Illumina above.

Mayo Clinic Laboratories, Mayo Clinic
Classification: Benign. Last evaluated: 2017-12-05. Review status: criteria provided, single submitter. Criteria: ACMG Guidelines, 2015. Collection method: clinical testing. Allele origin: germline. Observed: 88 variant alleles.

GeneDx
Classification: Benign. Last evaluated: 2016-02-08. Review status: criteria provided, single submitter. Criteria: GeneDx Variant Classification (06012015). Collection method: clinical testing. Allele origin: germline. Affected: yes.
Comment: This variant is considered likely benign or benign based on one or more of the following criteria: it is a conservative change, it occurs at a poorly conserved position in the protein, it is predicted to be benign by multiple in silico algorithms, and/or has population frequency not consistent with disease.

Laboratory for Molecular Medicine, Mass General Brigham Personalized Medicine
Classification: Benign. Last evaluated: 2015-01-13. Review status: criteria provided, single submitter. Criteria: LMM Criteria. Collection method: clinical testing. Allele origin: germline. Observed: 2 variant alleles.
Comment: c.10687-10C>T in intron 72 of RYR1: This variant is not expected to have clinica l significance because it has been identified in 4.8% (416/8600) of European Ame rican chromosomes from a broad population by the NHLBI Exome Sequencing Project (dbSNP rs77592501).

Eurofins Ntd Llc (ga)
Classification: Benign. Last evaluated: 2014-07-14. Review status: criteria provided, single submitter. Criteria: EGL Classification Definitions 2015. Collection method: clinical testing. Allele origin: germline. Observed: 5 variant alleles, 5 heterozygotes.

Genetic Services Laboratory, University of Chicago
Classification: Benign. Last evaluated: 2013-02-08. Review status: criteria provided, single submitter. Criteria: ACMG Guidelines, 2007. Collection method: clinical testing. Allele origin: germline. Inheritance: Autosomal unknown.

Breakthrough Genomics
Classification: Benign. Review status: criteria provided, single submitter. Criteria: ACMG Guidelines, 2015. Collection method: not provided. Allele origin: germline. Inheritance: Autosomal recessive inheritance. Affected: yes.

Clinical Genetics, Academic Medical Center
Classification: Benign. Review status: no assertion criteria provided. Collection method: clinical testing. Allele origin: germline. Affected: yes. Study: VKGL Data-share Consensus. Not counted in ClinVar's aggregate classification.

Joint Genome Diagnostic Labs from Nijmegen and Maastricht, Radboudumc and MUMC+
Classification: Benign. Review status: no assertion criteria provided. Collection method: clinical testing. Allele origin: germline. Affected: yes. Study: VKGL Data-share Consensus. Not counted in ClinVar's aggregate classification.